The following is an entry in ClinVar:

ClinVar aggregate classification (germline): Uncertain significance. Review status: criteria provided, multiple submitters, no conflicts (2 of 4 stars). 3 submissions from 3 submitters: Uncertain significance (3). Last evaluated 2023-07-10.

Conditions:
Joubert syndrome 17 (JBTS17). Identifiers: Orphanet 475, MedGen C3553264, MONDO:0013824, OMIM 614615.
Orofaciodigital syndrome type 6 (OFD6). Also called: Oral-facial-digital syndrome type 6; Central polydactyly cleft lip/palate or lingual lump and psychomotor retardation; Y-shaped central metacarpal and cerebellar defect; Joubert syndrome with orofacialdigital anomalies; OROFACIODIGITAL SYNDROME VI; OFDS VI. Identifiers: Orphanet 2754, MedGen C2745997, MONDO:0010176, OMIM 277170.

Allele frequency attached by ClinVar (database versions not stated): gnomAD exomes below 0.00001 and 0.00001.
gnomAD v4.1: 1 of 1,549,852 alleles (0.000065%); highest among the groups gnomAD compares: South Asian, 0.0012%; no homozygotes.

Submissions (3):

Institute of Medical Genetics and Genomics, Sir Ganga Ram Hospital
Classification: Uncertain significance for Orofaciodigital syndrome type 6. Last evaluated: 2023-07-10. Review status: criteria provided, single submitter. Criteria: ACMG Guidelines, 2015. Collection method: clinical testing. Allele origin: inherited. Inheritance: Autosomal recessive inheritance. Affected: yes.
Comment: This variant has been found in 0.0006% gnomAD (aggregated) database (PM2_mo0derate). For a missense or splicing variant, computational tools predict a delirious effect (PP3_supporting). This variant has been previously reported in ClinVar: VCV001302696.3

Fulgent Genetics
Classification: Uncertain significance for Orofaciodigital syndrome type 6; Joubert syndrome 17. Last evaluated: 2022-04-30. Review status: criteria provided, single submitter. Criteria: ACMG Guidelines, 2015. Collection method: clinical testing. Allele origin: unknown.

GeneDx
Classification: Uncertain significance. Last evaluated: 2018-12-03. Review status: criteria provided, single submitter. Criteria: GeneDx Variant Classification Process June 2021. Collection method: clinical testing. Allele origin: germline. Affected: yes.
Comment: Not observed at a significant frequency in large population cohorts (Lek et al., 2016); Has not been previously published as pathogenic or benign to our knowledge; In silico analysis, which includes splice predictors and evolutionary conservation, suggests this variant may impact gene splicing. In the absence of RNA/functional studies, the actual effect of this sequence change is unknown.

NM_001384732.1(CPLANE1):c.81G>A (p.Lys27=)

Gene: CPLANE1 (ciliogenesis and planar polarity effector complex subunit 1; minus strand). Cytogenetic location: 5p13.2.
Variant type: single nucleotide variant.
Coding change: c.81G>A on transcript NM_001384732.1 (MANE Select); coding-DNA position 81, G replaced by A.
Protein change: p.Lys27=; no amino-acid change (lysine 27 retained).
Molecular consequence: synonymous variant.
Genome position (GRCh38, 1-based): chr5:37,247,618, C>T on the plus strand (G>A on the coding strand, the complement: CPLANE1 is on the minus strand). VCF-style: chr5-37247618-C-T. GRCh37 (hg19) VCF-style: chr5-37247720-C-T.
Other names: c.81G>A, p.Lys27= (NM_023073.4).
Identifiers: ClinVar variation 1302696 (VCV001302696.4), dbSNP rs1264949337, ClinGen allele CA443921305.
Genomic context (GRCh38, chr5:37,247,618, plus strand): 5'-AGGCAAAACACACATATAACATATATAAAACTGGTATTGCATGAATAAAGAAAAACCTAC[C>T]TTTCCCAACCAGGAGACACGTGGCCATGGTTTTTTCTGCTTAATACCTGTTGATGTCAAG-3'
Protein context (NP_001371661.1, residues 17-37): KPWPRVSWLG[Lys27=]EKEAVFLLDD